The following is an entry in ClinVar:

ClinVar aggregate classification (germline): Pathogenic. Review status: criteria provided, single submitter (1 of 4 stars). 2 submissions from 2 submitters: Pathogenic (1). 1 of the submissions does not count toward it. Last evaluated 2020-04-06.

Conditions:
GRN-related frontotemporal lobar degeneration with Tdp43 inclusions (FTD2). Also called: DEMENTIA, HEREDITARY DYSPHASIC DISINHIBITION; FRONTOTEMPORAL LOBAR DEGENERATION WITH UBIQUITIN-POSITIVE INCLUSIONS; FTLD-TDP, GRN-RELATED; FRONTOTEMPORAL DEMENTIA WITH TDP43 INCLUSIONS, GRN-RELATED; GRN Frontotemporal Dementia. Identifiers: Orphanet 100070, Orphanet 282, MedGen C1843792, MONDO:0011842, OMIM 607485. Disease mechanism: loss of function.
Neuronal ceroid lipofuscinosis 11. Also called: GRN-Related Neuronal Ceroid-Lipofuscinosis. Identifiers: Orphanet 314629, Orphanet 79262, MedGen C3539123, MONDO:0013866, OMIM 614706.

Submissions (2):

Labcorp Genetics (formerly Invitae), Labcorp
Classification: Pathogenic for Neuronal ceroid lipofuscinosis 11; GRN-related frontotemporal lobar degeneration with Tdp43 inclusions. Last evaluated: 2020-04-06. Review status: criteria provided, single submitter. Criteria: Invitae Variant Classification Sherloc (09022015). Collection method: clinical testing. Allele origin: germline.
Comment: This sequence change affects a donor splice site in intron 7 of the GRN gene. It is expected to disrupt RNA splicing and likely results in an absent or disrupted protein product. This variant is present in population databases (rs63749817, ExAC 0.02%). For these reasons, this variant has been classified as Pathogenic. Donor and acceptor splice site variants typically lead to a loss of protein function (PMID: 16199547), and loss-of-function variants in GRN are known to be pathogenic (PMID: 22608501). This variant has been observed in individual(s) with frontotemporal lobar dementia or primary progressive aphasia (PMID: 16950801, 27082848). This variant is also known as g.10679G>C, p.V200Gfs*18 in the literature. ClinVar contains an entry for this variant (Variation ID: 98149).

VIB  Department of Molecular Genetics, University of Antwerp
No classification provided. Review status: no classification provided. Collection method: not provided. Allele origin: unknown. Not counted in ClinVar's aggregate classification.

Literature cited by the submitters: PubMed 16199547 (cited by Labcorp Genetics (formerly Invitae), Labcorp); PubMed 22608501 (cited by Labcorp Genetics (formerly Invitae), Labcorp); PubMed 16950801 (cited by Labcorp Genetics (formerly Invitae), Labcorp); PubMed 27082848 (cited by Labcorp Genetics (formerly Invitae), Labcorp).

NM_002087.4(GRN):c.708+1G>C

Genes: GRN (granulin precursor; plus strand), LOC125177489 (Sharpr-MPRA regulatory region 15390; plus strand). Cytogenetic location: 17q21.31.
Variant type: single nucleotide variant.
Coding change: c.708+1G>C on transcript NM_002087.4 (MANE Select); the canonical splice donor site of the intron after coding-DNA position 708, G replaced by C.
Molecular consequence: splice donor variant.
Genome position (GRCh38, 1-based): chr17:44,350,801, G>C. VCF-style: chr17-44350801-G-C. GRCh37 (hg19) VCF-style: chr17-42428169-G-C.
Identifiers: ClinVar variation 98149 (VCV000098149.10), dbSNP rs63749817, ClinGen allele CA225269.